The following is an entry in ClinVar:

ClinVar aggregate classification (germline): Conflicting classifications of pathogenicity. Review status: criteria provided, conflicting classifications (1 of 4 stars). 3 submissions from 3 submitters: Likely pathogenic (1); Uncertain significance (1). 1 of the submissions does not count toward it. Last evaluated 2022-11-02.

Conditions:
Retinal dystrophy. Also called: Inherited retinal dystrophy. Identifiers: Orphanet 71862, MedGen C0854723, MeSH D058499, MONDO:0019118, HP:0000556.
HK1-related disorder. Also called: HK1-related disorders; HK1-related condition.

Allele frequency attached by ClinVar (database versions not stated): TOPMed below 0.00001; ExAC 0.00001; gnomAD 0.00001.
gnomAD v4.1: 3 of 1,613,924 alleles (0.00019%); highest among the groups gnomAD compares: African/African-American, 0.0013%; no homozygotes.

Submissions (3):

Labcorp Genetics (formerly Invitae), Labcorp
Classification: Uncertain significance. Last evaluated: 2022-11-02. Review status: criteria provided, single submitter. Criteria: Invitae Variant Classification Sherloc (09022015). Collection method: clinical testing. Allele origin: germline.
Comment: In summary, the available evidence is currently insufficient to determine the role of this variant in disease. Therefore, it has been classified as a Variant of Uncertain Significance. Advanced modeling of protein sequence and biophysical properties (such as structural, functional, and spatial information, amino acid conservation, physicochemical variation, residue mobility, and thermodynamic stability) performed at Invitae indicates that this missense variant is expected to disrupt HK1 protein function. This variant has not been reported in the literature in individuals affected with HK1-related conditions. This variant is not present in population databases (gnomAD no frequency). This sequence change replaces arginine, which is basic and polar, with cysteine, which is neutral and slightly polar, at codon 755 of the HK1 protein (p.Arg755Cys).

Blueprint Genetics
Classification: Likely pathogenic for HK1-related disorders. Last evaluated: 2020-07-22. Review status: criteria provided, single submitter. Criteria: ACMG Guidelines, 2015. Collection method: clinical testing. Allele origin: germline. Affected: yes. Observed: 1 variant allele.

Institute of Human Genetics, Univ. Regensburg, Univ. Regensburg
Classification: Uncertain significance for Retinal dystrophy. Last evaluated: 2023-01-01. Review status: no assertion criteria provided. Criteria: ACMG Guidelines, 2015. Collection method: clinical testing. Allele origin: germline. Affected: yes. Not counted in ClinVar's aggregate classification.

NM_000188.3(HK1):c.2263C>T (p.Arg755Cys)

Gene: HK1 (hexokinase 1; plus strand). Cytogenetic location: 10q22.1.
Variant type: single nucleotide variant.
Coding change: c.2263C>T on transcript NM_000188.3 (MANE Select); coding-DNA position 2263, C replaced by T.
Protein change: p.Arg755Cys; replaces arginine 755 with cysteine.
Molecular consequence: missense variant.
Genome position (GRCh38, 1-based): chr10:69,394,993, C>T. VCF-style: chr10-69394993-C-T. GRCh37 (hg19) VCF-style: chr10-71154749-C-T.
Other names: c.2275C>T, p.Arg759Cys (NM_001322364.2, NM_001358263.1, NM_033497.3 and 1 more transcripts); c.2368C>T, p.Arg790Cys (NM_001322365.2); c.2179C>T, p.Arg727Cys (NM_001322366.1); c.2167C>T, p.Arg723Cys (NM_001322367.1); c.2260C>T, p.Arg754Cys (NM_033496.3); c.2227C>T, p.Arg743Cys (NM_033500.2); short protein forms R755C, R727C, R743C, R790C, R723C, R754C, R759C.
Identifiers: ClinVar variation 2058839 (VCV002058839.6), dbSNP rs762936110, ClinGen allele CA5532821.